The following is an entry in ClinVar:

ClinVar aggregate classification (germline): Uncertain significance (1 of 4 stars; one submission).

Conditions:
TMEM165-congenital disorder of glycosylation. Also called: CDG IIk; Congenital disorder of glycosylation type 2k; TMEM165-CDG. Identifiers: Orphanet 314667, MedGen C3553571, MONDO:0013870, OMIM 614727.

Allele frequency attached by ClinVar (database versions not stated): TOPMed below 0.00001; gnomAD 0.00001; 1000 Genomes Project 30x 0.00016.
gnomAD v4.1: 6 of 1,512,108 alleles (0.0004%); highest among the groups gnomAD compares: South Asian, 0.0074%; no homozygotes.

Submission:

Labcorp Genetics (formerly Invitae), Labcorp
Classification: Uncertain significance for TMEM165-congenital disorder of glycosylation. Last evaluated: 2023-06-29. Review status: criteria provided, single submitter. Criteria: Invitae Variant Classification Sherloc (09022015). Collection method: clinical testing. Allele origin: germline.
Comment: In summary, the available evidence is currently insufficient to determine the role of this variant in disease. Therefore, it has been classified as a Variant of Uncertain Significance. Algorithms developed to predict the effect of missense changes on protein structure and function output the following: SIFT: "Not Available"; PolyPhen-2: "Benign"; Align-GVGD: "Not Available". The alanine amino acid residue is found in multiple mammalian species, which suggests that this missense change does not adversely affect protein function. ClinVar contains an entry for this variant (Variation ID: 1911342). This variant has not been reported in the literature in individuals affected with TMEM165-related conditions. This variant is present in population databases (no rsID available, gnomAD 0.005%). This sequence change replaces proline, which is neutral and non-polar, with alanine, which is neutral and non-polar, at codon 55 of the TMEM165 protein (p.Pro55Ala).

NM_018475.5(TMEM165):c.163C>G (p.Pro55Ala)

Genes: TMEM165 (transmembrane protein 165; plus strand), LOC129992613 (ATAC-STARR-seq lymphoblastoid silent region 15439; plus strand). Cytogenetic location: 4q12.
Variant type: single nucleotide variant.
Coding change: c.163C>G on transcript NM_018475.5 (MANE Select); coding-DNA position 163, C replaced by G.
Protein change: p.Pro55Ala; replaces proline 55 with alanine.
Molecular consequence: missense variant. On other transcripts: non-coding transcript variant (1).
Genome position (GRCh38, 1-based): chr4:55,396,352, C>G. VCF-style: chr4-55396352-C-G. GRCh37 (hg19) VCF-style: chr4-56262519-C-G.
Other names: short protein forms P55A.
Identifiers: ClinVar variation 1911342 (VCV001911342.5), dbSNP rs995046403, ClinGen allele CA97484498.